The following is an entry in ClinVar:

ClinVar aggregate classification (germline): Likely benign (0 of 4 stars; one submission).

Conditions:
GNE-related disorder. Also called: GNE-related condition.

Allele frequency attached by ClinVar (database versions not stated): gnomAD exomes 0.00007; ExAC 0.00015; gnomAD 0.00052; TOPMed 0.00057; ESP Exome Variant Server 0.00077.
gnomAD v4.1: 182 of 1,603,958 alleles (0.011%); highest among the groups gnomAD compares: African/African-American, 0.18%; 1 homozygote.

Submission:

PreventionGenetics, part of Exact Sciences
Classification: Likely benign for GNE-related condition. Last evaluated: 2022-12-12. Review status: no assertion criteria provided. Collection method: clinical testing. Allele origin: germline.
Comment: This variant is classified as likely benign based on ACMG/AMP sequence variant interpretation guidelines (Richards et al. 2015 PMID: 25741868, with internal and published modifications).

NM_005476.7(GNE):c.1282-25C>T

Gene: GNE (glucosamine (UDP-N-acetyl)-2-epimerase/N-acetylmannosamine kinase; minus strand). Cytogenetic location: 9p13.3.
Variant type: single nucleotide variant.
Coding change: c.1282-25C>T on transcript NM_005476.7 (MANE Select); 25 bases into the intron before coding-DNA position 1282, C replaced by T.
Molecular consequence: intron variant.
Genome position (GRCh38, 1-based): chr9:36,223,527, G>A on the plus strand (C>T on the coding strand, the complement: GNE is on the minus strand). VCF-style: chr9-36223527-G-A. GRCh37 (hg19) VCF-style: chr9-36223524-G-A.
Other names: c.1105-25C>T (NM_001190388.2, NM_001374798.1); c.1375-25C>T (NM_001128227.3); c.952-25C>T (NM_001190384.3); c.1129-25C>T (NM_001374797.1); c.1282-25C>T (NM_001190383.3).
Identifiers: ClinVar variation 3052298 (VCV003052298.2), dbSNP rs370415234, ClinGen allele CA5056533.